The following is an entry in ClinVar:

ClinVar aggregate classification (germline): Benign/Likely benign. Review status: criteria provided, multiple submitters, no conflicts (2 of 4 stars). 7 submissions from 7 submitters: Benign (3); Likely benign (4). Last evaluated 2025-12-02.

Conditions:
Hereditary cancer-predisposing syndrome. Also called: Tumor predisposition; Hereditary neoplastic syndrome; Hereditary Cancer Syndrome; Neoplastic Syndromes, Hereditary. Identifiers: Orphanet 140162, MedGen C0027672, MeSH D009386, MONDO:0015356.
Tuberous sclerosis syndrome (TSC). Also called: Tuberous Sclerosis Complex; Tuberous sclerosis. Identifiers: Orphanet 805, MedGen C0041341, MONDO:0001734.
Tuberous sclerosis 2 (TSC2). Identifiers: Orphanet 805, MedGen C1860707, MONDO:0013199, OMIM 613254.

Allele frequency attached by ClinVar (database versions not stated): ExAC 0.00002; gnomAD 0.00002 and 0.00003; gnomAD exomes 0.00002; TOPMed 0.00004; ESP Exome Variant Server 0.00008; 1000 Genomes Project 30x 0.00016; 1000 Genomes Project 0.00020.
gnomAD v4.1: 35 of 1,613,016 alleles (0.0022%); highest among the groups gnomAD compares: East Asian, 0.011%; no homozygotes.

Submissions (7):

Labcorp Genetics (formerly Invitae), Labcorp
Classification: Benign for Tuberous sclerosis 2. Last evaluated: 2025-12-02. Review status: criteria provided, single submitter. Criteria: Invitae Variant Classification Sherloc (09022015). Collection method: clinical testing. Allele origin: germline.

Myriad Genetics, Inc.
Classification: Benign for Tuberous sclerosis 2. Last evaluated: 2025-06-06. Review status: criteria provided, single submitter. Criteria: Myriad Autosomal Dominant, Autosomal Recessive and X-Linked Classification Criteria (2023). Collection method: clinical testing. Allele origin: unknown.
Comment: This variant is considered benign. This variant is a silent/synonymous amino acid change and it is not expected to impact splicing.

Blueprint Genetics
Classification: Likely benign. Last evaluated: 2024-08-08. Review status: criteria provided, single submitter. Criteria: ACMG Guidelines, 2015. Collection method: clinical testing. Allele origin: germline.

Color Diagnostics, LLC DBA Color Health
Classification: Likely benign for Tuberous sclerosis syndrome. Last evaluated: 2022-11-06. Review status: criteria provided, single submitter. Criteria: ACMG Guidelines, 2015. Collection method: clinical testing. Allele origin: germline.

CeGaT Center for Human Genetics Tuebingen
Classification: Likely benign. Last evaluated: 2022-05-01. Review status: criteria provided, single submitter. Criteria: CeGaT Center For Human Genetics Tuebingen Variant Classification Criteria Version 2. Collection method: clinical testing. Allele origin: germline. Affected: yes. Observed: 1 variant allele.
Comment: TSC2: BP4, BP7

Genome-Nilou Lab
Classification: Benign for Tuberous sclerosis 2. Last evaluated: 2021-11-07. Review status: criteria provided, single submitter. Criteria: ACMG Guidelines, 2015. Collection method: clinical testing. Allele origin: germline. Affected: no.

Ambry Genetics
Classification: Likely benign for Hereditary cancer-predisposing syndrome. Last evaluated: 2019-07-25. Review status: criteria provided, single submitter. Criteria: Ambry Variant Classification Scheme 2023. Collection method: clinical testing. Allele origin: germline.

NM_000548.5(TSC2):c.5154C>T (p.His1718=)

Gene: TSC2 (TSC complex subunit 2; plus strand). Cytogenetic location: 16p13.3.
Variant type: single nucleotide variant.
Coding change: c.5154C>T on transcript NM_000548.5 (MANE Select); coding-DNA position 5154, C replaced by T.
Protein change: p.His1718=; no amino-acid change (histidine 1718 retained).
Molecular consequence: synonymous variant.
Genome position (GRCh38, 1-based): chr16:2,088,133, C>T. VCF-style: chr16-2088133-C-T. GRCh37 (hg19) VCF-style: chr16-2138134-C-T.
Other names: c.4953C>T, p.His1651= (NM_001077183.3); c.5085C>T, p.His1695= (NM_001114382.3); c.4845C>T, p.His1615= (NM_001318827.2); c.4809C>T, p.His1603= (NM_001318829.2); c.4422C>T, p.His1474= (NM_001318831.2); c.4986C>T, p.His1662= (NM_001318832.2); c.4956C>T, p.His1652= (NM_001363528.2); c.5022C>T, p.His1674= (NM_001370404.1); and 1 more.
Identifiers: ClinVar variation 413721 (VCV000413721.44), dbSNP rs370338085, ClinGen allele CA054071.
Genomic context (GRCh38, chr16:2,088,133, plus strand): 5'-CGTGGCCAAGATCGTGTCTGACCGCAACCTGCCCTTCGTGGCCCGCCAGATGGCCCTGCA[C>T]GCAAATGTGAGTGGGGGTGGGTCCAGGCGTGAGCTGGTGGGACAGGCCCAGGTGCCACCT-3'
Protein context (NP_000539.2, residues 1708-1728): LPFVARQMAL[His1718=]ANMASQVHHS